The following is an entry in ClinVar:

NM_001130987.2(DYSF):c.5633A>T (p.Tyr1878Phe)

Gene: DYSF (dysferlin; plus strand). Cytogenetic location: 2p13.2.
Variant type: single nucleotide variant.
Coding change: c.5633A>T on transcript NM_001130987.2 (MANE Select); coding-DNA position 5633, A replaced by T.
Protein change: p.Tyr1878Phe; replaces tyrosine 1878 with phenylalanine.
Molecular consequence: missense variant.
Genome position (GRCh38, 1-based): chr2:71,669,198, A>T. VCF-style: chr2-71669198-A-T. GRCh37 (hg19) VCF-style: chr2-71896328-A-T.
Other names: c.5519A>T, p.Tyr1840Phe (NM_001130455.2); c.5474A>T, p.Tyr1825Phe (NM_001130976.2); c.5537A>T, p.Tyr1846Phe (NM_001130977.2); c.5579A>T, p.Tyr1860Phe (NM_001130978.2); c.5609A>T, p.Tyr1870Phe (NM_001130979.2); c.5567A>T, p.Tyr1856Phe (NM_001130980.2); c.5630A>T, p.Tyr1877Phe (NM_001130981.2); c.5612A>T, p.Tyr1871Phe (NM_001130982.2); and 6 more; short protein forms Y1825F, Y1839F, Y1856F, Y1861F, Y1871F, Y1878F, Y1826F, Y1840F.
Identifiers: ClinVar variation 4746988 (VCV004746988.2).
Genomic context (GRCh38, chr2:71,669,198, plus strand): 5'-ATACCAGAGATGTGATCCTGGATGACCTGAGCCTCACGGGGGAGAAGATGAGCGACATTT[A>T]TGTGAAAGGGTAGGGAGCCAGCGTCCTCTTGCCTGTCCAGCTTCCCGCAGCTCCCGTGCT-3'
Protein context (NP_001124459.1, residues 1868-1888): SLTGEKMSDI[Tyr1878Phe]VKGWMIGFEE

ClinVar aggregate classification (germline): Conflicting classifications of pathogenicity. Review status: criteria provided, conflicting classifications (1 of 4 stars). 2 submissions from 2 submitters: Likely pathogenic (1); Uncertain significance (1). Last evaluated 2025-10-14.

Conditions:
Autosomal recessive limb-girdle muscular dystrophy type 2B (LGMDR2). Also called: MUSCULAR DYSTROPHY, LIMB-GIRDLE, TYPE 3; Limb-girdle muscular dystrophy, type 2B; MUSCULAR DYSTROPHY, LIMB-GIRDLE, AUTOSOMAL RECESSIVE 2; Limb-Girdle Muscular Dystrophy Type 2B (LGMD2B). Identifiers: Orphanet 268, MedGen C1850889, MONDO:0009676, OMIM 253601.
Neuromuscular disease caused by qualitative or quantitative defects of dysferlin. Also called: Dysferlinopathy; Qualitative or quantitative defects of dysferlin. Identifiers: Orphanet 207073, MedGen C2931687, MONDO:0016145.

Submissions (2):

Labcorp Genetics (formerly Invitae), Labcorp
Classification: Uncertain significance for Neuromuscular disease caused by qualitative or quantitative defects of dysferlin. Last evaluated: 2025-10-14. Review status: criteria provided, single submitter. Criteria: Invitae Variant Classification Sherloc (09022015). Collection method: clinical testing. Allele origin: germline.
Comment: This sequence change replaces tyrosine, which is neutral and polar, with phenylalanine, which is neutral and non-polar, at codon 1839 of the DYSF protein (p.Tyr1839Phe). This variant is not present in population databases (gnomAD no frequency). This missense change has been observed in individual(s) with clinical features of DYSF-related conditions (PMID: 27647186, 28403181, 38903757). This variant is also known as c.5633A>T (p.Y1878F). Invitae Evidence Modeling of protein sequence and biophysical properties (such as structural, functional, and spatial information, amino acid conservation, physicochemical variation, residue mobility, and thermodynamic stability) indicates that this missense variant is not expected to disrupt DYSF protein function with a negative predictive value of 95%. In summary, the available evidence is currently insufficient to determine the role of this variant in disease. Therefore, it has been classified as a Variant of Uncertain Significance.

Clinical Genetics Service, Universitary Hospital 12 de Octubre
Classification: Likely pathogenic for Autosomal recessive limb-girdle muscular dystrophy type 2B. Review status: criteria provided, single submitter. Criteria: ACMG Guidelines, 2015. Collection method: clinical testing. Allele origin: germline. Affected: yes.

Literature cited by the submitters: PubMed 27647186 (cited by Labcorp Genetics (formerly Invitae), Labcorp); PubMed 28403181 (cited by Labcorp Genetics (formerly Invitae), Labcorp); PubMed 38903757 (cited by Labcorp Genetics (formerly Invitae), Labcorp).